The following is an entry in ClinVar:

NM_000061.3(BTK):c.188G>T (p.Cys63Phe)

Gene: BTK (Bruton tyrosine kinase; minus strand). Cytogenetic location: Xq22.1.
Variant type: single nucleotide variant.
Coding change: c.188G>T on transcript NM_000061.3 (MANE Select); coding-DNA position 188, G replaced by T.
Protein change: p.Cys63Phe; replaces cysteine 63 with phenylalanine.
Molecular consequence: missense variant.
Genome position (GRCh38, 1-based): chrX:101,374,588, C>A on the plus strand (G>T on the coding strand, the complement: BTK is on the minus strand). VCF-style: chrX-101374588-C-A. GRCh37 (hg19) VCF-style: chrX-100629576-C-A.
Other names: c.290G>T, p.Cys97Phe (NM_001287344.2); c.188G>T, p.Cys63Phe (NM_001287345.2); short protein forms C97F, C63F.
Identifiers: ClinVar variation 4746910 (VCV004746910.1).

ClinVar aggregate classification (germline): Uncertain significance (1 of 4 stars; one submission).

Conditions:
X-linked agammaglobulinemia with growth hormone deficiency (IGHD3). Also called: Isolated growth hormone deficiency type 3; Growth hormone deficiency with hypogammaglobulinemia; ISOLATED GROWTH HORMONE DEFICIENCY, TYPE III, WITH AGAMMAGLOBULINEMIA; AGAMMAGLOBULINEMIA AND ISOLATED GROWTH HORMONE DEFICIENCY, X-LINKED; FLEISHER SYNDROME; HYPOGAMMAGLOBULINEMIA AND ISOLATED GROWTH HORMONE DEFICIENCY, X-LINKED. Identifiers: Orphanet 231692, Orphanet 631, MedGen C0472813, MONDO:0010615, OMIM 307200.

Submission:

Labcorp Genetics (formerly Invitae), Labcorp
Classification: Uncertain significance for X-linked agammaglobulinemia with growth hormone deficiency. Last evaluated: 2025-08-29. Review status: criteria provided, single submitter. Criteria: Invitae Variant Classification Sherloc (09022015). Collection method: clinical testing. Allele origin: germline.
Comment: This sequence change replaces cysteine, which is neutral and slightly polar, with phenylalanine, which is neutral and non-polar, at codon 63 of the BTK protein (p.Cys63Phe). This variant is not present in population databases (gnomAD no frequency). This variant has not been reported in the literature in individuals affected with BTK-related conditions. Invitae Evidence Modeling of protein sequence and biophysical properties (such as structural, functional, and spatial information, amino acid conservation, physicochemical variation, residue mobility, and thermodynamic stability) indicates that this missense variant is expected to disrupt BTK protein function with a positive predictive value of 95%. In summary, the available evidence is currently insufficient to determine the role of this variant in disease. Therefore, it has been classified as a Variant of Uncertain Significance.